The following is an entry in ClinVar:

NM_145728.3(SYNM):c.1052G>A (p.Arg351Lys)

Gene: SYNM (synemin; plus strand). Cytogenetic location: 15q26.3.
Variant type: single nucleotide variant.
Coding change: c.1052G>A on transcript NM_145728.3 (MANE Select); coding-DNA position 1052, G replaced by A.
Protein change: p.Arg351Lys; replaces arginine 351 with lysine.
Molecular consequence: missense variant.
Genome position (GRCh38, 1-based): chr15:99,129,412, G>A. VCF-style: chr15-99129412-G-A. GRCh37 (hg19) VCF-style: chr15-99669617-G-A.
Other names: c.1052G>A, p.Arg351Lys (NM_015286.6); short protein forms R351K.
Identifiers: ClinVar variation 3032283 (VCV003032283.1), dbSNP rs782062605, ClinGen allele CA7753439.

ClinVar aggregate classification (germline): Likely benign (1 of 4 stars; one submission).

Conditions:
SYNM-related disorder. Also called: SYNM-related condition.

Allele frequency attached by ClinVar (database versions not stated): gnomAD exomes below 0.00001; ExAC 0.00003; TOPMed 0.00003; gnomAD 0.00005.
gnomAD v4.1: 8 of 1,613,854 alleles (0.0005%); highest among the groups gnomAD compares: African/African-American, 0.011%; no homozygotes.

Submission:

PreventionGenetics, part of Exact Sciences
Classification: Likely benign for SYNM-related condition. Last evaluated: 2020-08-10. Review status: criteria provided, single submitter. Criteria: ACMG Guidelines, 2015. Collection method: clinical testing. Allele origin: germline.
Comment: This variant is classified as likely benign based on ACMG/AMP sequence variant interpretation guidelines (Richards et al. 2015 PMID: 25741868, with internal and published modifications).